The following is an entry in ClinVar:

ClinVar aggregate classification (germline): Uncertain significance (1 of 4 stars; one submission).

Allele frequency attached by ClinVar (database versions not stated): gnomAD exomes below 0.00001; gnomAD 0.00001; TOPMed 0.00001; 1000 Genomes Project 30x 0.00016; 1000 Genomes Project 0.00020.
gnomAD v4.1: 5 of 1,614,140 alleles (0.00031%); highest among the groups gnomAD compares: East Asian, 0.0022%; no homozygotes.

Submission:

Labcorp Genetics (formerly Invitae), Labcorp
Classification: Uncertain significance. Last evaluated: 2022-08-16. Review status: criteria provided, single submitter. Criteria: Invitae Variant Classification Sherloc (09022015). Collection method: clinical testing. Allele origin: germline.
Comment: This sequence change replaces aspartic acid, which is acidic and polar, with glycine, which is neutral and non-polar, at codon 1627 of the COL27A1 protein (p.Asp1627Gly). This variant is not present in population databases (gnomAD no frequency). This variant has not been reported in the literature in individuals affected with COL27A1-related conditions. Advanced modeling of protein sequence and biophysical properties (such as structural, functional, and spatial information, amino acid conservation, physicochemical variation, residue mobility, and thermodynamic stability) performed at Invitae indicates that this missense variant is not expected to disrupt COL27A1 protein function. Algorithms developed to predict the effect of sequence changes on RNA splicing suggest that this variant may disrupt the consensus splice site. In summary, the available evidence is currently insufficient to determine the role of this variant in disease. Therefore, it has been classified as a Variant of Uncertain Significance.

NM_032888.4(COL27A1):c.4880A>G (p.Asp1627Gly)

Gene: COL27A1 (collagen type XXVII alpha 1 chain; plus strand). Cytogenetic location: 9q32.
Variant type: single nucleotide variant.
Coding change: c.4880A>G on transcript NM_032888.4 (MANE Select); coding-DNA position 4880, A replaced by G.
Protein change: p.Asp1627Gly; replaces aspartic acid 1627 with glycine.
Molecular consequence: missense variant.
Genome position (GRCh38, 1-based): chr9:114,304,615, A>G. VCF-style: chr9-114304615-A-G. GRCh37 (hg19) VCF-style: chr9-117066895-A-G.
Other names: short protein forms D1627G.
Identifiers: ClinVar variation 2064622 (VCV002064622.1), dbSNP rs537785868, ClinGen allele CA198622424.